The following is an entry in ClinVar:

ClinVar aggregate classification (germline): Uncertain significance (1 of 4 stars; one submission).

Conditions:
Hereditary cancer-predisposing syndrome. Also called: Neoplastic Syndromes, Hereditary; Tumor predisposition; Hereditary Cancer Syndrome; Hereditary neoplastic syndrome. Identifiers: Orphanet 140162, MedGen C0027672, MeSH D009386, MONDO:0015356.

Submission:

Ambry Genetics
Classification: Uncertain significance for Hereditary cancer-predisposing syndrome. Last evaluated: 2025-11-11. Review status: criteria provided, single submitter. Criteria: Ambry Variant Classification Scheme 2023. Collection method: clinical testing. Allele origin: germline.
Comment: The p.K458N variant (also known as c.1374A>C), located in coding exon 9 of the RAD50 gene, results from an A to C substitution at nucleotide position 1374. The lysine at codon 458 is replaced by asparagine, an amino acid with similar properties. This amino acid position is conserved. In addition, this alteration is predicted to be tolerated by in silico analysis. Based on the available evidence, the clinical significance of this variant remains unclear.

NM_005732.4(RAD50):c.1374A>C (p.Lys458Asn)

Gene: RAD50 (RAD50 double strand break repair protein; plus strand). Cytogenetic location: 5q31.1.
Variant type: single nucleotide variant.
Coding change: c.1374A>C on transcript NM_005732.4 (MANE Select); coding-DNA position 1374, A replaced by C.
Protein change: p.Lys458Asn; replaces lysine 458 with asparagine.
Molecular consequence: missense variant.
Genome position (GRCh38, 1-based): chr5:132,589,759, A>C. VCF-style: chr5-132589759-A-C. GRCh37 (hg19) VCF-style: chr5-131925451-A-C.
Other names: short protein forms K458N.
Identifiers: ClinVar variation 4678088 (VCV004678088.1).
Genomic context (GRCh38, chr5:132,589,759, plus strand): 5'-ACTGGGAAGAATAATTGAGTTAAAATCAGAAATCCTAAGTAAGAAGCAGAATGAGCTGAA[A>C]AATGTGAAGTATGAATTACAGCAGTTGGAAGGATCTTCAGACAGGATTCTTGAACTGGAC-3'
Protein context (NP_005723.2, residues 448-468): EILSKKQNEL[Lys458Asn]NVKYELQQLE